The following is an entry in ClinVar:

ClinVar aggregate classification (germline): Uncertain significance (1 of 4 stars; one submission).

Submission:

GeneDx
Classification: Uncertain significance. Last evaluated: 2024-05-03. Review status: criteria provided, single submitter. Criteria: GeneDx Variant Classification Process June 2021. Collection method: clinical testing. Allele origin: germline. Affected: yes.
Comment: Not observed at significant frequency in large population cohorts (gnomAD); In silico analysis supports that this missense variant has a deleterious effect on protein structure/function; Has not been previously published as pathogenic or benign to our knowledge

NM_012281.3(KCND2):c.707G>A (p.Cys236Tyr)

Gene: KCND2 (potassium voltage-gated channel subfamily D member 2; plus strand). Cytogenetic location: 7q31.31.
Variant type: single nucleotide variant.
Coding change: c.707G>A on transcript NM_012281.3 (MANE Select); coding-DNA position 707, G replaced by A.
Protein change: p.Cys236Tyr; replaces cysteine 236 with tyrosine.
Molecular consequence: missense variant.
Genome position (GRCh38, 1-based): chr7:120,275,339, G>A. VCF-style: chr7-120275339-G-A. GRCh37 (hg19) VCF-style: chr7-119915393-G-A.
Other names: short protein forms C236Y.
Identifiers: ClinVar variation 3381469 (VCV003381469.1).
Genomic context (GRCh38, chr7:120,275,339, plus strand): 5'-TTAAAGAACTGCCCTGTGGAGAGCGGTATGCTGTGGCCTTCTTCTGCTTGGACACGGCCT[G>A]CGTCATGATCTTCACAGTTGAGTATTTGCTTCGCCTGGCTGCAGCGCCTAGTCGTTACCG-3'
Protein context (NP_036413.1, residues 226-246): AVAFFCLDTA[Cys236Tyr]VMIFTVEYLL